The following is an entry in ClinVar:

ClinVar aggregate classification (germline): Uncertain significance (1 of 4 stars; one submission).

Conditions:
Progressive myoclonic epilepsy type 3. Also called: KCTD7-Related Progressive Myoclonic Epilepsy; EPILEPSY, PROGRESSIVE MYOCLONIC, 3, WITH OR WITHOUT INTRACELLULAR INCLUSIONS; CEROID LIPOFUSCINOSIS, NEURONAL, 14; EPILEPSY, PROGRESSIVE MYOCLONIC, 3, WITHOUT INTRACELLULAR INCLUSIONS. Identifiers: Orphanet 263516, MedGen C2673257, MONDO:0012721, OMIM 611726.

Allele frequency attached by ClinVar (database versions not stated): gnomAD exomes 0.00001 and 0.00003; ExAC 0.00013.

Submission:

Labcorp Genetics (formerly Invitae), Labcorp
Classification: Uncertain significance for Progressive myoclonic epilepsy type 3. Last evaluated: 2021-02-04. Review status: criteria provided, single submitter. Criteria: Invitae Variant Classification Sherloc (09022015). Collection method: clinical testing. Allele origin: germline.
Comment: In summary, the available evidence is currently insufficient to determine the role of this variant in disease. Therefore, it has been classified as a Variant of Uncertain Significance. Algorithms developed to predict the effect of missense changes on protein structure and function (SIFT, PolyPhen-2, Align-GVGD) all suggest that this variant is likely to be tolerated, but these predictions have not been confirmed by published functional studies and their clinical significance is uncertain. This variant has not been reported in the literature in individuals with KCTD7-related conditions. This variant is present in population databases (rs766856368, ExAC 0.05%). This sequence change replaces alanine with threonine at codon 41 of the KCTD7 protein (p.Ala41Thr). The alanine residue is moderately conserved and there is a small physicochemical difference between alanine and threonine.

NM_153033.5(KCTD7):c.121G>A (p.Ala41Thr)

Genes: KCTD7 (potassium channel tetramerization domain containing 7; plus strand), LOC129998533 (ATAC-STARR-seq lymphoblastoid silent region 18210; plus strand). Cytogenetic location: 7q11.21.
Variant type: single nucleotide variant.
Coding change: c.121G>A on transcript NM_153033.5 (MANE Select); coding-DNA position 121, G replaced by A.
Protein change: p.Ala41Thr; replaces alanine 41 with threonine.
Molecular consequence: missense variant.
Genome position (GRCh38, 1-based): chr7:66,629,185, G>A. VCF-style: chr7-66629185-G-A. GRCh37 (hg19) VCF-style: chr7-66094172-G-A.
Other names: c.121G>A, p.Ala41Thr (NM_001167961.2); short protein forms A41T.
Identifiers: ClinVar variation 936004 (VCV000936004.10), dbSNP rs766856368, ClinGen allele CA4278166.